The following is an entry in ClinVar:

ClinVar aggregate classification (germline): Conflicting classifications of pathogenicity. Review status: criteria provided, conflicting classifications (1 of 4 stars). 17 submissions from 17 submitters: Uncertain significance (5); Benign (3); Likely benign (5). 4 of the submissions do not count toward it. Last evaluated 2026-09-01.

Conditions:
SACS-related disorder. Also called: SACS-related condition.
Spastic paraplegia. Identifiers: MedGen C0037772, HP:0001258.
Hereditary spastic paraplegia. Also called: Familial spastic paraparesis. Identifiers: Orphanet 685, MedGen C0037773, MONDO:0019064. Disease mechanism: loss of function.
Charlevoix-Saguenay spastic ataxia (SACS). Also called: AUTOSOMAL RECESSIVE SPASTIC ATAXIA OF CHARLEVOIX-SAGUENAY; SPASTIC ATAXIA 6, AUTOSOMAL RECESSIVE; Spastic ataxia of Charlevoix-Saguenay. Identifiers: Orphanet 98, MedGen C1849140, MONDO:0010041, OMIM 270550.

Allele frequency attached by ClinVar (database versions not stated): 1000 Genomes Project 30x 0.00062; 1000 Genomes Project 0.00080; gnomAD exomes 0.00206 and 0.00264; gnomAD 0.00212 and 0.00227; TOPMed 0.00213; ESP Exome Variant Server 0.00238; ExAC 0.00252.
gnomAD v4.1: 3,438 of 1,614,206 alleles (0.21%); highest among the groups gnomAD compares: Middle Eastern, 1%; 10 homozygotes.

Submissions (17):

CeGaT Center for Human Genetics Tuebingen
Classification: Benign. Last evaluated: 2026-09-01. Review status: criteria provided, single submitter. Criteria: CeGaT Center For Human Genetics Tuebingen Variant Classification Criteria Version 2. Collection method: clinical testing. Allele origin: germline. Affected: yes. Observed: 20 variant alleles.
Comment: SACS: BS1, BS2

Labcorp Genetics (formerly Invitae), Labcorp
Classification: Likely benign for Spastic paraplegia. Last evaluated: 2026-02-02. Review status: criteria provided, single submitter. Criteria: Invitae Variant Classification Sherloc (09022015). Collection method: clinical testing. Allele origin: germline.

PreventionGenetics, part of Exact Sciences
Classification: Likely benign for SACS-related condition. Last evaluated: 2025-12-09. Review status: criteria provided, single submitter. Criteria: ACMG Guidelines, 2015. Collection method: clinical testing. Allele origin: germline.
Comment: This variant is classified as likely benign based on ACMG/AMP sequence variant interpretation guidelines (Richards et al. 2015 PMID: 25741868, with internal and published modifications).

Blueprint Genetics
Classification: Likely benign. Last evaluated: 2024-11-26. Review status: criteria provided, single submitter. Criteria: ACMG Guidelines, 2015. Collection method: clinical testing. Allele origin: germline.

Women's Health and Genetics/Laboratory Corporation of America, LabCorp
Classification: Likely benign. Last evaluated: 2022-02-25. Review status: criteria provided, single submitter. Criteria: LabCorp Variant Classification Summary - May 2015. Collection method: clinical testing. Allele origin: germline.
Comment: Variant summary: SACS c.1373C>T (p.Thr458Ile) results in a non-conservative amino acid change in the encoded protein sequence. Four of five in-silico tools predict a damaging effect of the variant on protein function. The variant allele was found at a frequency of 0.0025 in 282826 control chromosomes, predominantly at a frequency of 0.022 within the Ashkenazi Jewish subpopulation in the gnomAD database. The observed variant frequency within Ashkenazi Jewish control individuals in the gnomAD database is approximately 3 fold of the estimated maximal expected allele frequency for a pathogenic variant in SACS causing Autosomal Recessive Spastic Ataxia Of Charlevoix-Saguenay phenotype (0.0079), strongly suggesting that the variant is a benign polymorphism found primarily in populations of Ashkenazi Jewish origin. c.1373C>T has been reported in the literature in individuals affected with Progressive myoclonus epilepsies, Hereditary ataxias and atypical Autosomal Recessive Spastic Ataxia Of Charlevoix-Saguenay (Muona_2014, Nascimento_2016, Synofzik_2013, Vural_2021). These reports do not provide unequivocal conclusions about association of the variant with Autosomal Recessive Spastic Ataxia Of Charlevoix-Saguenay. To our knowledge, no experimental evidence demonstrating an impact on protein function has been reported. Ten ClinVar submitters (evaluation after 2014) cite the variant as uncertain significance (n=5), benign (n=2) and likely benign (n=3). Based on the evidence outlined above, the variant was classified as likely benign.

Genome Diagnostics Laboratory, The Hospital for Sick Children
Classification: Uncertain significance for Hereditary spastic paraplegia. Last evaluated: 2021-12-22. Review status: criteria provided, single submitter. Criteria: ACMG Guidelines, 2015. Collection method: clinical testing. Allele origin: germline. Affected: yes.

Genome-Nilou Lab
Classification: Likely benign for Charlevoix-Saguenay spastic ataxia. Last evaluated: 2021-05-18. Review status: criteria provided, single submitter. Criteria: ACMG Guidelines, 2015. Collection method: clinical testing. Allele origin: germline. Affected: no.

GeneDx
Classification: Benign. Last evaluated: 2019-02-21. Review status: criteria provided, single submitter. Criteria: GeneDx Variant Classification Process June 2021. Collection method: clinical testing. Allele origin: germline. Affected: yes.
Comment: This variant is associated with the following publications: (PMID: 23497566, 27433545, 23280630, 25401298)

Athena Diagnostics
Classification: Benign. Last evaluated: 2019-02-06. Review status: criteria provided, single submitter. Criteria: Athena Diagnostics Criteria. Collection method: clinical testing. Allele origin: germline.

Genomics England Pilot Project, Genomics England
Classification: Uncertain significance for Charlevoix-Saguenay spastic ataxia. Last evaluated: 2018-01-23. Review status: criteria provided, single submitter. Criteria: ACGS Guidelines, 2016. Collection method: clinical testing. Allele origin: germline. Inheritance: Autosomal recessive inheritance. Affected: yes.

Unit for Genetic & Epidemiological Research on Neurological Disorders, Instituto de Investigação e Inovação em Saúde
Classification: Uncertain significance for Hereditary spastic paraplegia. Last evaluated: 2017-03-07. Review status: criteria provided, single submitter. Criteria: Morais et al. (Eur J Hum Genet. 2017). Collection method: research. Allele origin: unknown. Affected: yes.

Clinical Genetics DNA and cytogenetics Diagnostics Lab, Erasmus MC, Erasmus Medical Center
Classification: Uncertain significance for Charlevoix-Saguenay spastic ataxia. Last evaluated: 2015-09-21. Review status: criteria provided, single submitter. Criteria: ACGS Guidelines, 2013. Collection method: clinical testing. Allele origin: germline. Affected: yes. Study: VKGL Data-share Consensus.

Eurofins Ntd Llc (ga)
Classification: Uncertain significance. Last evaluated: 2015-08-13. Review status: criteria provided, single submitter. Criteria: EGL Classification Definitions 2015. Collection method: clinical testing. Allele origin: germline. Observed: 1 variant allele, 1 heterozygote.

Natera, Inc.
Classification: Likely benign for Charlevoix-Saguenay type spastic ataxia. Last evaluated: 2020-06-18. Review status: no assertion criteria provided. Collection method: clinical testing. Allele origin: germline. Not counted in ClinVar's aggregate classification.

Mayo Clinic Laboratories, Mayo Clinic
Classification: Uncertain significance. Last evaluated: 2016-02-19. Review status: no assertion criteria provided. Collection method: clinical testing. Allele origin: unknown. Not counted in ClinVar's aggregate classification.

Department of Pathology and Laboratory Medicine, Sinai Health System
Classification: Uncertain significance for Charlevoix-Saguenay spastic ataxia. Review status: no assertion criteria provided. Collection method: clinical testing. Allele origin: unknown. Affected: yes. Study: The Canadian Open Genetics Repository (COGR). Not counted in ClinVar's aggregate classification.
Comment: The p.Thr458Ile variant was previously identified in two patients with Autosomal recessive spastic ataxia of Charlevoix Saguenay (ARSACS), and classified as a VUS (Synofzik_2013_PMID:23497566). MRI revealed minor atrophy of the superior cerebellar vermis, an arachnoid cyst, and a thinning of the posterior mid-body of the corpus callosum. This patient had gait ataxia, cerebellar oculomotor disturbance, dysarthria, dysphagia, intention tremor, dysmetria, and spasiticity (Synofzik_2013_PMID:23497566). The variant was also observed in 14/3500 control chromosomes (heterozygous) (Synofzik_2013_PMID:23497566). The p.Thr458Ile variant was also observed in compound heterozygous state (with a 1.5 Mb macrodeletion), with teenage-onset disease, with severe cerebellar ataxia, mild spasticity, mild peripheral neuropathy, and abnormal fundoscopy (Romano_2012_PMID: 23280630). The variant was identified in control databases in 720 of 282826 chromosomes (1 homozygous) at a frequency of 0.002546 (Genome Aggregation Database Feb 27, 2017). The variant was identified in dbSNP (rs61729954), ClinVar (Conflicting interpretations of pathogenicity. Uncertain significance [4], benign [2]. The variant was identified in the following populations: Ashkenazi Jewish in 233 of 10370 chromosomes (freq: 0.02247), Other in 32 of 7224 chromosomes (freq: 0.00443), European (non-Finnish) in 352 of 129148 chromosomes (freq: 0.002726), Latino in 55 of 35434 chromosomes (freq: 0.001552), South Asian in 23 of 30612 chromosomes (freq: 0.000751), European (Finnish) in 14 of 25116 chromosomes (freq: 0.000557), African in 11 of 24968 chromosomes (freq: 0.000441), but was not observed in East Asian populations. The p.Thr458 residue is conserved in mammals and other organisms. Computational analyses (SIFT, Polyphen2, MUT Assesor, DANN, MT, FATHMM, MetaLR, Revel) provide inconsistent predictions regarding the impact to the protein; this information is not very predictive of pathogencity. Â¬â€ In summary, based on the above information the clinical significance of this variant cannot be determined with certainty at this time. This variant is classified as a variant of uncertain significance.

Diagnostic Laboratory, Department of Genetics, University Medical Center Groningen
Classification: Uncertain significance for Charlevoix-Saguenay spastic ataxia. Review status: no assertion criteria provided. Collection method: clinical testing. Allele origin: germline. Affected: yes. Study: VKGL Data-share Consensus. Not counted in ClinVar's aggregate classification.

Literature cited by the submitters: PubMed 23497566 (cited by Women's Health and Genetics/Laboratory Corporation of America, LabCorp and Athena Diagnostics); PubMed 25401298 (cited by Women's Health and Genetics/Laboratory Corporation of America, LabCorp and Athena Diagnostics); PubMed 27433545 (cited by Women's Health and Genetics/Laboratory Corporation of America, LabCorp and Athena Diagnostics); PubMed 33624863 (cited by Women's Health and Genetics/Laboratory Corporation of America, LabCorp); PubMed 23280630 (cited by Athena Diagnostics).

NM_014363.6(SACS):c.1373C>T (p.Thr458Ile)

Gene: SACS (sacsin molecular chaperone; minus strand). Cytogenetic location: 13q12.12.
Variant type: single nucleotide variant.
Coding change: c.1373C>T on transcript NM_014363.6 (MANE Select); coding-DNA position 1373, C replaced by T.
Protein change: p.Thr458Ile; replaces threonine 458 with isoleucine.
Molecular consequence: missense variant.
Genome position (GRCh38, 1-based): chr13:23,355,239, G>A on the plus strand (C>T on the coding strand, the complement: SACS is on the minus strand). VCF-style: chr13-23355239-G-A. GRCh37 (hg19) VCF-style: chr13-23929378-G-A.
Other names: c.932C>T, p.Thr311Ile (NM_001278055.2); short protein forms T458I, T311I.
Identifiers: ClinVar variation 282385 (VCV000282385.75), dbSNP rs61729954, ClinGen allele CA6911923.
Genomic context (GRCh38, chr13:23,355,239, plus strand): 5'-TTTATGCTCCTGCGGTTATCAGTAAGGCCAAAGAACCCACTGATGTGAACTGGGAGGCCT[G>A]TGCTGCTTTCCTCACCAGGTGGTAAAGGAAGGAAACAAAATGCTTTTCCTGAGAAATCAG-3'
Protein context (NP_055178.3, residues 448-468): LPLPPGEESS[Thr458Ile]GLPVHISGFF